The following is an entry in ClinVar:

ClinVar aggregate classification (germline): Uncertain significance (1 of 4 stars; one submission).

Conditions:
Intellectual developmental disorder, autosomal dominant 52. Also called: Mental retardation, autosomal dominant 52; Intellectual disability, autosomal dominant 52. Identifiers: MedGen C4540478, MONDO:0030918, OMIM 617796.

Allele frequency attached by ClinVar (database versions not stated): TOPMed below 0.00001; gnomAD 0.00001.
gnomAD v4.1: 1 of 1,614,054 alleles (0.000062%); no homozygotes.

Submission:

Baylor Genetics
Classification: Uncertain significance for Intellectual developmental disorder, autosomal dominant 52. Last evaluated: 2019-03-07. Review status: criteria provided, single submitter. Criteria: ACMG Guidelines, 2015. Collection method: clinical testing. Allele origin: maternal. Affected: yes.
Comment: This variant was determined to be of uncertain significance according to ACMG Guidelines, 2015 [PMID:25741868].

NM_018489.3(ASH1L):c.4835G>C (p.Gly1612Ala)

Gene: ASH1L (ASH1 like histone lysine methyltransferase; minus strand). Cytogenetic location: 1q22.
Variant type: single nucleotide variant.
Coding change: c.4835G>C on transcript NM_018489.3 (MANE Select); coding-DNA position 4835, G replaced by C.
Protein change: p.Gly1612Ala; replaces glycine 1612 with alanine.
Molecular consequence: missense variant.
Genome position (GRCh38, 1-based): chr1:155,478,035, C>G on the plus strand (G>C on the coding strand, the complement: ASH1L is on the minus strand). VCF-style: chr1-155478035-C-G. GRCh37 (hg19) VCF-style: chr1-155447826-C-G.
Other names: c.4835G>C, p.Gly1612Ala (NM_001366177.2); short protein forms G1612A.
Identifiers: ClinVar variation 1028599 (VCV001028599.1), dbSNP rs1207751518, ClinGen allele CA342697789.